The following is an entry in ClinVar:

NM_018699.4(PRDM5):c.684G>C (p.Lys228Asn)

Gene: PRDM5 (PR/SET domain 5; minus strand). Cytogenetic location: 4q27.
Variant type: single nucleotide variant.
Coding change: c.684G>C on transcript NM_018699.4 (MANE Select); coding-DNA position 684, G replaced by C.
Protein change: p.Lys228Asn; replaces lysine 228 with asparagine.
Molecular consequence: missense variant. On other transcripts: intron variant (3).
Genome position (GRCh38, 1-based): chr4:120,816,891, C>G on the plus strand (G>C on the coding strand, the complement: PRDM5 is on the minus strand). VCF-style: chr4-120816891-C-G. GRCh37 (hg19) VCF-style: chr4-121738046-C-G.
Other names: c.684G>C, p.Lys228Asn (NM_001379104.1); c.651-317G>C (NM_001300824.2, NM_001379106.1, NM_001300823.2); short protein forms K228N.
Identifiers: ClinVar variation 4143979 (VCV004143979.1).
Genomic context (GRCh38, chr4:120,816,891, plus strand): 5'-CCTCGATGCTGAACTGAAGGAAGAATTGCAAACAGAGCACTGAAAACTTCGCGAAGACTC[C>G]TTTAGACTGCTTTTCGCTGTGCACTGAAGAACACTAAAGGGAAATAGGAAAAAGAGAAAG-3'
Protein context (NP_061169.2, residues 218-238): VLQCTAKSSL[Lys228Asn]ESSRSFQCSV

ClinVar aggregate classification (germline): Uncertain significance (1 of 4 stars; one submission).

Conditions:
Cardiovascular phenotype. Identifiers: MedGen CN230736.

gnomAD v4.1: 1 of 1,613,672 alleles (0.000062%); highest among the groups gnomAD compares: East Asian, 0.0022%; no homozygotes.

Submission:

Ambry Genetics
Classification: Uncertain significance for Cardiovascular phenotype. Last evaluated: 2025-08-24. Review status: criteria provided, single submitter. Criteria: Ambry Variant Classification Scheme 2023. Collection method: clinical testing. Allele origin: germline.
Comment: The p.K228N variant (also known as c.684G>C), located in coding exon 6 of the PRDM5 gene, results from a G to C substitution at nucleotide position 684. The lysine at codon 228 is replaced by asparagine, an amino acid with similar properties. This amino acid position is conserved. In addition, this alteration is predicted to be tolerated by in silico analysis. Based on the available evidence, the clinical significance of this variant remains unclear.